The following is an entry in ClinVar:

NM_014423.4(AFF4):c.3312C>T (p.Leu1104=)

Gene: AFF4 (ALF transcription elongation factor 4; minus strand). Cytogenetic location: 5q31.1.
Variant type: single nucleotide variant.
Coding change: c.3312C>T on transcript NM_014423.4 (MANE Select); coding-DNA position 3312, C replaced by T.
Protein change: p.Leu1104=; no amino-acid change (leucine 1104 retained).
Molecular consequence: synonymous variant.
Genome position (GRCh38, 1-based): chr5:132,883,392, G>A on the plus strand (C>T on the coding strand, the complement: AFF4 is on the minus strand). VCF-style: chr5-132883392-G-A. GRCh37 (hg19) VCF-style: chr5-132219084-G-A.
Identifiers: ClinVar variation 3352823 (VCV003352823.3).
Genomic context (GRCh38, chr5:132,883,392, plus strand): 5'-CTACCTACCTTTTTGCTCTTTGGAAAGCTGTTCAGCTTGGTCCCAAATTTCGGTGGCATA[G>A]AGGAAGTTGGATGTGACCTGAACATAGCTGGCTGCCATCTGGTGGATCTTCTGTGGAATG-3'
Protein context (NP_055238.1, residues 1094-1114): ASYVQVTSNF[Leu1104=]YATEIWDQAE

ClinVar aggregate classification (germline): Likely benign. Review status: criteria provided, single submitter (1 of 4 stars). 2 submissions from 2 submitters: Likely benign (1). 1 of the submissions does not count toward it. Last evaluated 2025-11-01.

Conditions:
Cognitive impairment - coarse facies - heart defects - obesity - pulmonary involvement - short stature - skeletal dysplasia syndrome. Also called: AFF4-Related CHOPS Syndrome; COGNITIVE IMPAIRMENT, COARSE FACIES, HEART DEFECTS, OBESITY, PULMONARY INVOLVEMENT, SHORT STATURE, AND SKELETAL DYSPLASIA; Chops syndrome. Identifiers: Orphanet 444077, MedGen C4085597, MONDO:0014609, OMIM 616368.
AFF4-related disorder. Also called: AFF4-related condition.

gnomAD v4.1: 31 of 1,613,954 alleles (0.0019%); highest among the groups gnomAD compares: African/African-American, 0.039%; no homozygotes.

Submissions (2):

Labcorp Genetics (formerly Invitae), Labcorp
Classification: Likely benign for Cognitive impairment - coarse facies - heart defects - obesity - pulmonary involvement - short stature - skeletal dysplasia syndrome. Last evaluated: 2025-11-01. Review status: criteria provided, single submitter. Criteria: Invitae Variant Classification Sherloc (09022015). Collection method: clinical testing. Allele origin: germline.

PreventionGenetics, part of Exact Sciences
Classification: Likely benign for AFF4-related condition. Last evaluated: 2023-01-27. Review status: no assertion criteria provided. Collection method: clinical testing. Allele origin: germline. Not counted in ClinVar's aggregate classification.
Comment: This variant is classified as likely benign based on ACMG/AMP sequence variant interpretation guidelines (Richards et al. 2015 PMID: 25741868, with internal and published modifications).